The following is an entry in ClinVar:

NM_005529.7(HSPG2):c.12478C>T (p.Gln4160Ter)

Gene: HSPG2 (heparan sulfate proteoglycan 2; minus strand). Cytogenetic location: 1p36.12.
Variant type: single nucleotide variant.
Coding change: c.12478C>T on transcript NM_005529.7 (MANE Select); coding-DNA position 12478, C replaced by T.
Protein change: p.Gln4160Ter; replaces glutamine 4160 with a stop codon.
Molecular consequence: nonsense.
Genome position (GRCh38, 1-based): chr1:21,828,084, G>A on the plus strand (C>T on the coding strand, the complement: HSPG2 is on the minus strand). VCF-style: chr1-21828084-G-A. GRCh37 (hg19) VCF-style: chr1-22154577-G-A.
Other names: c.12481C>T, p.Gln4161Ter (NM_001291860.2); short protein forms Q4160*, Q4161*.
Identifiers: ClinVar variation 2797130 (VCV002797130.3), dbSNP rs2550601121, ClinGen allele CA338899628.

ClinVar aggregate classification (germline): Pathogenic (1 of 4 stars; one submission).

Submission:

Labcorp Genetics (formerly Invitae), Labcorp
Classification: Pathogenic. Last evaluated: 2023-11-02. Review status: criteria provided, single submitter. Criteria: Invitae Variant Classification Sherloc (09022015). Collection method: clinical testing. Allele origin: germline.
Comment: This sequence change creates a premature translational stop signal (p.Gln4160*) in the HSPG2 gene. It is expected to result in an absent or disrupted protein product. Loss-of-function variants in HSPG2 are known to be pathogenic (PMID: 11279527, 16927315, 20542149, 23836246). This variant is not present in population databases (gnomAD no frequency). This variant has not been reported in the literature in individuals affected with HSPG2-related conditions. For these reasons, this variant has been classified as Pathogenic.

Literature cited by the submitters: PubMed 11279527; PubMed 16927315; PubMed 20542149; PubMed 23836246.